The following is an entry in ClinVar:

ClinVar aggregate classification (germline): Uncertain significance (1 of 4 stars; one submission).

Allele frequency attached by ClinVar (database versions not stated): gnomAD exomes below 0.00001.
gnomAD v4.1: 2 of 1,614,200 alleles (0.00012%); highest among the groups gnomAD compares: Non-Finnish European, 0.000085%; no homozygotes.

Submission:

GeneDx
Classification: Uncertain significance. Last evaluated: 2022-02-17. Review status: criteria provided, single submitter. Criteria: GeneDx Variant Classification Process June 2021. Collection method: clinical testing. Allele origin: germline. Affected: yes.
Comment: Not observed at significant frequency in large population cohorts (gnomAD); In silico analysis supports that this missense variant does not alter protein structure/function; Has not been previously published as pathogenic or benign to our knowledge

NM_006734.4(HIVEP2):c.7169A>G (p.His2390Arg)

Gene: HIVEP2 (HIVEP zinc finger 2; minus strand). Cytogenetic location: 6q24.2.
Variant type: single nucleotide variant.
Coding change: c.7169A>G on transcript NM_006734.4 (MANE Select); coding-DNA position 7169, A replaced by G.
Protein change: p.His2390Arg; replaces histidine 2390 with arginine.
Molecular consequence: missense variant.
Genome position (GRCh38, 1-based): chr6:142,753,279, T>C on the plus strand (A>G on the coding strand, the complement: HIVEP2 is on the minus strand). VCF-style: chr6-142753279-T-C. GRCh37 (hg19) VCF-style: chr6-143074416-T-C.
Other names: short protein forms H2390R.
Identifiers: ClinVar variation 1702604 (VCV001702604.2), dbSNP rs2114582101, ClinGen allele CA365940917.